The following is an entry in ClinVar:

NM_001080432.3(FTO):c.442A>G (p.Ile148Val)

Gene: FTO (FTO alpha-ketoglutarate dependent dioxygenase; plus strand). Cytogenetic location: 16q12.2.
Variant type: single nucleotide variant.
Coding change: c.442A>G on transcript NM_001080432.3 (MANE Select); coding-DNA position 442, A replaced by G.
Protein change: p.Ile148Val; replaces isoleucine 148 with valine.
Molecular consequence: missense variant.
Genome position (GRCh38, 1-based): chr16:53,826,182, A>G. VCF-style: chr16-53826182-A-G. GRCh37 (hg19) VCF-style: chr16-53860094-A-G.
Other names: c.442A>G, p.Ile148Val (NM_001363891.2, NM_001363894.2, NM_001363896.2 and 6 more transcripts); c.364A>G, p.Ile122Val (NM_001363897.2); c.-72A>G (NM_001363905.2); short protein forms I148V, I122V.
Identifiers: ClinVar variation 1474849 (VCV001474849.6), dbSNP rs2151775451, ClinGen allele CA396121885.

ClinVar aggregate classification (germline): Uncertain significance (1 of 4 stars; one submission).

Submission:

Labcorp Genetics (formerly Invitae), Labcorp
Classification: Uncertain significance. Last evaluated: 2021-03-29. Review status: criteria provided, single submitter. Criteria: Invitae Variant Classification Sherloc (09022015). Collection method: clinical testing. Allele origin: germline.
Comment: In summary, the available evidence is currently insufficient to determine the role of this variant in disease. Therefore, it has been classified as a Variant of Uncertain Significance. Algorithms developed to predict the effect of sequence changes on RNA splicing suggest that this variant may create or strengthen a splice site, but this prediction has not been confirmed by published transcriptional studies. Algorithms developed to predict the effect of missense changes on protein structure and function output the following: SIFT: "Tolerated"; PolyPhen-2: "Benign"; Align-GVGD: "Class C0". The valine amino acid residue is found in multiple mammalian species, suggesting that this missense change does not adversely affect protein function. These predictions have not been confirmed by published functional studies and their clinical significance is uncertain. This variant has not been reported in the literature in individuals with FTO-related conditions. This variant is not present in population databases (ExAC no frequency). This sequence change replaces isoleucine with valine at codon 148 of the FTO protein (p.Ile148Val). The isoleucine residue is moderately conserved and there is a small physicochemical difference between isoleucine and valine.